The following is an entry in ClinVar:

NM_183235.3(RAB27A):c.424G>C (p.Val142Leu)

Gene: RAB27A (RAB27A, member RAS oncogene family; minus strand). Cytogenetic location: 15q21.3.
Variant type: single nucleotide variant.
Coding change: c.424G>C on transcript NM_183235.3 (MANE Select); coding-DNA position 424, G replaced by C.
Protein change: p.Val142Leu; replaces valine 142 with leucine.
Molecular consequence: missense variant.
Genome position (GRCh38, 1-based): chr15:55,223,932, C>G on the plus strand (G>C on the coding strand, the complement: RAB27A is on the minus strand). VCF-style: chr15-55223932-C-G. GRCh37 (hg19) VCF-style: chr15-55516130-C-G.
Other names: c.424G>C, p.Val142Leu (NM_004580.5, NM_183234.3, NM_183236.3); short protein forms V142L.
Identifiers: ClinVar variation 839672 (VCV000839672.7), dbSNP rs538323738, ClinGen allele CA7573577.
Genomic context (GRCh38, chr15:55,223,932, plus strand): 5'-TCCACAAAAATACTCACCCATATTTCTCTGCGAGTGCTATGGCTTCCTCCTCTTTCACTA[C>G]TCTCTGGTCCTCCAGATCACTCTTGTTTCCACACAGCACTATATCTGGGTTTTCACAATA-3'
Protein context (NP_899058.1, residues 132-152): GNKSDLEDQR[Val142Leu]VKEEEAIALA

ClinVar aggregate classification (germline): Uncertain significance. Review status: criteria provided, multiple submitters, no conflicts (2 of 4 stars). 3 submissions from 3 submitters: Uncertain significance (3). Last evaluated 2024-12-09.

Conditions:
Griscelli syndrome type 2 (GS2). Also called: PAID SYNDROME; PARTIAL ALBINISM AND IMMUNODEFICIENCY SYNDROME; GRISCELLI SYNDROME WITH HEMOPHAGOCYTIC SYNDROME. Identifiers: Orphanet 381, Orphanet 79477, MedGen C1868679, MONDO:0011872, OMIM 607624.
Inborn genetic diseases. Identifiers: MedGen C0950123, MeSH D030342.

Allele frequency attached by ClinVar (database versions not stated): ExAC 0.00002; TOPMed 0.00003; gnomAD 0.00006 and 0.00007; 1000 Genomes Project 0.00020; 1000 Genomes Project 30x 0.00031.
gnomAD v4.1: 30 of 1,613,950 alleles (0.0019%); highest among the groups gnomAD compares: Admixed American, 0.02%; no homozygotes.

Submissions (3):

Labcorp Genetics (formerly Invitae), Labcorp
Classification: Uncertain significance for Griscelli syndrome type 2. Last evaluated: 2024-12-09. Review status: criteria provided, single submitter. Criteria: Invitae Variant Classification Sherloc (09022015). Collection method: clinical testing. Allele origin: germline.
Comment: This sequence change replaces valine, which is neutral and non-polar, with leucine, which is neutral and non-polar, at codon 142 of the RAB27A protein (p.Val142Leu). This variant is present in population databases (rs538323738, gnomAD 0.02%). This variant has not been reported in the literature in individuals affected with RAB27A-related conditions. ClinVar contains an entry for this variant (Variation ID: 839672). Invitae Evidence Modeling of protein sequence and biophysical properties (such as structural, functional, and spatial information, amino acid conservation, physicochemical variation, residue mobility, and thermodynamic stability) indicates that this missense variant is not expected to disrupt RAB27A protein function with a negative predictive value of 95%. In summary, the available evidence is currently insufficient to determine the role of this variant in disease. Therefore, it has been classified as a Variant of Uncertain Significance.

Ambry Genetics
Classification: Uncertain significance for Inborn genetic diseases. Last evaluated: 2021-08-30. Review status: criteria provided, single submitter. Criteria: Ambry Variant Classification Scheme 2023. Collection method: clinical testing. Allele origin: germline.

Neuberg Centre For Genomic Medicine, NCGM
Classification: Uncertain significance for Griscelli syndrome type 2. Review status: criteria provided, single submitter. Criteria: ACMG Guidelines, 2015. Collection method: clinical testing. Allele origin: germline. Inheritance: Autosomal recessive inheritance. Affected: yes.
Comment: The observed missense variant c.424G>CB2(p.Val142Leu) in RA7A gene has not been reported previously as a pathogenic variant nor as a benign variant, to our knowledge. The (p.Val142Leu) variant is reported with 0.003% allele frequency in gnomAD Exomes. It has been submitted to ClinVar as Uncertain Significance. The amino acid Val at position 142 is changed to a Leu changing protein sequence and it might alter its composition and physico-chemical properties. Multiple lines of computational evidence (Polyphen-Benign, SIFT-Tolerated and Mutation Taster-polymorphism) predict no damaging effect on protein structure and function for this variant. The reference amino acid p.Val142Leu in RAB27A is predicted as conserved by GERP++ and PhyloP across 100 vertebrates. For these reasons, this variant has been classified as Uncertain Significance.